The following is an entry in ClinVar:

NM_000071.3(CBS):c.282G>C (p.Lys94Asn)

Gene: CBS (cystathionine beta-synthase; minus strand). Cytogenetic location: 21q22.3.
Variant type: single nucleotide variant.
Coding change: c.282G>C on transcript NM_000071.3 (MANE Select); coding-DNA position 282, G replaced by C.
Protein change: p.Lys94Asn; replaces lysine 94 with asparagine.
Molecular consequence: missense variant.
Genome position (GRCh38, 1-based): chr21:43,068,543, C>G on the plus strand (G>C on the coding strand, the complement: CBS is on the minus strand). VCF-style: chr21-43068543-C-G. GRCh37 (hg19) VCF-style: chr21-44488653-C-G.
Other names: c.282G>C, p.Lys94Asn (NM_001178008.3, NM_001178009.3, NM_001320298.2); short protein forms K94N.
Identifiers: ClinVar variation 1796577 (VCV001796577.2), dbSNP rs779297627, ClinGen allele CA410602053.

ClinVar aggregate classification (germline): Uncertain significance (1 of 4 stars; one submission).

Conditions:
Familial thoracic aortic aneurysm and aortic dissection (TAAD). Also called: Thoracic aortic aneurysms and dissections. Identifiers: Orphanet 91387, MedGen C4707243, MONDO:0019625.

Submission:

Ambry Genetics
Classification: Uncertain significance for Familial thoracic aortic aneurysm and aortic dissection. Last evaluated: 2022-09-28. Review status: criteria provided, single submitter. Criteria: Ambry Variant Classification Scheme 2023. Collection method: clinical testing. Allele origin: germline.
Comment: The p.K94N variant (also known as c.282G>C), located in coding exon 2 of the CBS gene, results from a G to C substitution at nucleotide position 282. The lysine at codon 94 is replaced by asparagine, an amino acid with similar properties. This amino acid position is conserved. In addition, the in silico prediction for this alteration is inconclusive. Since supporting evidence is limited at this time, the clinical significance of this alteration remains unclear.